The following is an entry in ClinVar:

ClinVar aggregate classification (germline): Uncertain significance. Review status: criteria provided, multiple submitters, no conflicts (2 of 4 stars). 3 submissions from 3 submitters: Uncertain significance (3). Last evaluated 2025-01-07.

Conditions:
Breast-ovarian cancer, familial, susceptibility to, 4. Identifiers: Orphanet 145, MedGen C3280345, MONDO:0013669, OMIM 614291.
Hereditary cancer-predisposing syndrome. Also called: Hereditary neoplastic syndrome; Neoplastic Syndromes, Hereditary; Tumor predisposition; Hereditary Cancer Syndrome. Identifiers: Orphanet 140162, MedGen C0027672, MeSH D009386, MONDO:0015356.
Familial ovarian cancer. Identifiers: MedGen C5679802, MONDO:0016248.

Submissions (3):

Molecular Pathology, Peter Maccallum Cancer Centre
Classification: Uncertain significance for Familial ovarian cancer. Last evaluated: 2025-01-07. Review status: criteria provided, single submitter. Criteria: ACMG Guidelines, 2015. Collection method: clinical testing. Allele origin: germline. Inheritance: Autosomal dominant inheritance.

Labcorp Genetics (formerly Invitae), Labcorp
Classification: Uncertain significance for Breast-ovarian cancer, familial, susceptibility to, 4. Last evaluated: 2022-09-09. Review status: criteria provided, single submitter. Criteria: Invitae Variant Classification Sherloc (09022015). Collection method: clinical testing. Allele origin: germline.
Comment: Algorithms developed to predict the effect of missense changes on protein structure and function are either unavailable or do not agree on the potential impact of this missense change (SIFT: "Deleterious"; PolyPhen-2: "Probably Damaging"; Align-GVGD: "Class C15"). ClinVar contains an entry for this variant (Variation ID: 948086). This variant has not been reported in the literature in individuals affected with RAD51D-related conditions. This variant is not present in population databases (gnomAD no frequency). This sequence change replaces cysteine, which is neutral and slightly polar, with tyrosine, which is neutral and polar, at codon 9 of the RAD51D protein (p.Cys9Tyr). In summary, the available evidence is currently insufficient to determine the role of this variant in disease. Therefore, it has been classified as a Variant of Uncertain Significance.

Ambry Genetics
Classification: Uncertain significance for Hereditary cancer-predisposing syndrome. Last evaluated: 2015-11-17. Review status: criteria provided, single submitter. Criteria: Ambry Variant Classification Scheme 2023. Collection method: clinical testing. Allele origin: germline.
Comment: The p.C9Y variant (also known as c.26G>A), located in coding exon 1 of the RAD51D gene, results from a G to A substitution at nucleotide position 26. The cysteine at codon 9 is replaced by tyrosine, an amino acid with highly dissimilar properties. This variant was not reported in population based cohorts in the following databases: Database of Single Nucleotide Polymorphisms (dbSNP), NHLBI Exome Sequencing Project (ESP), and 1000 Genomes Project. In the ESP, this variant was not observed in 6503 samples (13006 alleles) with coverage at this position. To date, this alteration has been detected with an allele frequency of approximately 0.001% (greater than 110000 alleles tested) in our clinical cohort. This amino acid position is highly conserved in available vertebrate species. In addition, this alteration is predicted to be deleterious by in silico analysis. Since supporting evidence is limited at this time, the clinical significance of p.C9Y remains unclear.

NM_002878.4(RAD51D):c.26G>A (p.Cys9Tyr)

Genes: RAD51L3-RFFL (RAD51L3-RFFL readthrough; minus strand), RAD51D (RAD51 paralog D; minus strand). Cytogenetic location: 17q12.
Variant type: single nucleotide variant.
Coding change: c.26G>A on transcript NM_002878.4 (MANE Select); coding-DNA position 26, G replaced by A.
Protein change: p.Cys9Tyr; replaces cysteine 9 with tyrosine.
Molecular consequence: missense variant. On other transcripts: non-coding transcript variant (2).
Genome position (GRCh38, 1-based): chr17:35,119,588, C>T on the plus strand (G>A on the coding strand, the complement: RAD51D is on the minus strand). VCF-style: chr17-35119588-C-T. GRCh37 (hg19) VCF-style: chr17-33446607-C-T.
Other names: c.26G>A, p.Cys9Tyr (NM_001142571.2, NM_133629.3); short protein forms C9Y.
Identifiers: ClinVar variation 948086 (VCV000948086.12), dbSNP rs140825795, ClinGen allele CA399092518.